The following is an entry in ClinVar:

NM_022124.6(CDH23):c.4136G>A (p.Arg1379His)

Genes: C10orf105 (chromosome 10 open reading frame 105; minus strand), CDH23 (cadherin related 23; plus strand). Cytogenetic location: 10q22.1.
Variant type: single nucleotide variant.
Coding change: c.4136G>A on transcript NM_022124.6 (MANE Select); coding-DNA position 4136, G replaced by A.
Protein change: p.Arg1379His; replaces arginine 1379 with histidine.
Molecular consequence: missense variant. On other transcripts: intron variant (1).
Genome position (GRCh38, 1-based): chr10:71,734,271, G>A. VCF-style: chr10-71734271-G-A. GRCh37 (hg19) VCF-style: chr10-73494028-G-A.
Other names: c.-6+3457C>T (NM_001168390.2); short protein forms R1379H.
Identifiers: ClinVar variation 856976 (VCV000856976.8), dbSNP rs767004225, ClinGen allele CA5544926.

ClinVar aggregate classification (germline): Uncertain significance. Review status: criteria provided, multiple submitters, no conflicts (2 of 4 stars). 3 submissions from 3 submitters: Uncertain significance (2). 1 of the submissions does not count toward it. Last evaluated 2025-04-25.

Conditions:
Inborn genetic diseases. Identifiers: MedGen C0950123, MeSH D030342.
Usher syndrome type 1 (USH1). Also called: RETINITIS PIGMENTOSA AND CONGENITAL DEAFNESS. Identifiers: Orphanet 231169, Orphanet 886, MedGen C1568247, MONDO:0010168, OMIM 276900.

Allele frequency attached by ClinVar (database versions not stated): gnomAD exomes 0.00007 and 0.00004; gnomAD 0.00006; ExAC 0.00016; TOPMed 0.00004.
gnomAD v4.1: 64 of 1,612,022 alleles (0.004%); highest among the groups gnomAD compares: South Asian, 0.011%; no homozygotes.

Submissions (3):

Ambry Genetics
Classification: Uncertain significance for Inborn genetic diseases. Last evaluated: 2025-04-25. Review status: criteria provided, single submitter. Criteria: Ambry Variant Classification Scheme 2023. Collection method: clinical testing. Allele origin: germline.

Labcorp Genetics (formerly Invitae), Labcorp
Classification: Uncertain significance. Last evaluated: 2024-01-22. Review status: criteria provided, single submitter. Criteria: Invitae Variant Classification Sherloc (09022015). Collection method: clinical testing. Allele origin: germline.
Comment: This sequence change replaces arginine, which is basic and polar, with histidine, which is basic and polar, at codon 1379 of the CDH23 protein (p.Arg1379His). This variant is present in population databases (rs767004225, gnomAD 0.02%). This variant has not been reported in the literature in individuals affected with CDH23-related conditions. ClinVar contains an entry for this variant (Variation ID: 856976). Advanced modeling of protein sequence and biophysical properties (such as structural, functional, and spatial information, amino acid conservation, physicochemical variation, residue mobility, and thermodynamic stability) performed at Invitae indicates that this missense variant is not expected to disrupt CDH23 protein function with a negative predictive value of 95%. In summary, the available evidence is currently insufficient to determine the role of this variant in disease. Therefore, it has been classified as a Variant of Uncertain Significance.

Natera, Inc.
Classification: Uncertain significance for Usher syndrome type 1. Last evaluated: 2020-02-21. Review status: no assertion criteria provided. Collection method: clinical testing. Allele origin: germline. Not counted in ClinVar's aggregate classification.